The following is an entry in ClinVar:

ClinVar aggregate classification (germline): Uncertain significance (1 of 4 stars; one submission).

Conditions:
Marfan syndrome (MFS). Also called: MARFAN SYNDROME, TYPE I; Marfan syndrome type 1; Marfan's syndrome; Marfan syndrome, classic; FBN1-Related Marfan Syndrome. Identifiers: Orphanet 284963, Orphanet 558, MedGen C0024796, MONDO:0007947, OMIM 154700.

Submission:

All of Us Research Program, National Institutes of Health
Classification: Uncertain significance for Marfan syndrome. Last evaluated: 2023-11-20. Review status: criteria provided, single submitter. Criteria: ACMG Guidelines, 2015. Collection method: clinical testing. Allele origin: germline. Inheritance: Autosomal dominant inheritance. Observed: 1 variant allele, 1 heterozygote.
Comment: This missense variant replaces methionine with threonine at codon 124 of the FBN1 protein. Computational prediction is inconclusive regarding the impact of this variant on protein structure and function (internally defined REVEL score threshold 0.5 < inconclusive < 0.7, PMID: 27666373). To our knowledge, functional studies have not been reported for this variant. This variant has not been reported in individuals affected with FBN1-related disorders in the literature. This variant has not been identified in the general population by the Genome Aggregation Database (gnomAD). The available evidence is insufficient to determine the role of this variant in disease conclusively. Therefore, this variant is classified as a Variant of Uncertain Significance.

This study involves interpretation of variants in research participants for the purpose of population health screening. Participant phenotype was not available at the time of variant classification. Additional details can be found in publication PMID: 35346344, PMCID: PMC8962531

NM_000138.5(FBN1):c.371T>C (p.Met124Thr)

Gene: FBN1 (fibrillin 1; minus strand). Cytogenetic location: 15q21.1.
Variant type: single nucleotide variant.
Coding change: c.371T>C on transcript NM_000138.5 (MANE Select); coding-DNA position 371, T replaced by C.
Protein change: p.Met124Thr; replaces methionine 124 with threonine.
Molecular consequence: missense variant.
Genome position (GRCh38, 1-based): chr15:48,600,210, A>G on the plus strand (T>C on the coding strand, the complement: FBN1 is on the minus strand). VCF-style: chr15-48600210-A-G. GRCh37 (hg19) VCF-style: chr15-48892407-A-G.
Other names: c.371T>C, p.Met124Thr (NM_001406716.1, NM_001406717.1); short protein forms M124T.
Identifiers: ClinVar variation 3074536 (VCV003074536.1), dbSNP rs2505761126, ClinGen allele CA392446591.